The following is an entry in ClinVar:

ClinVar aggregate classification (germline): Likely pathogenic (1 of 4 stars; one submission).

Submission:

Quest Diagnostics Nichols Institute San Juan Capistrano
Classification: Likely pathogenic. Last evaluated: 2022-03-30. Review status: criteria provided, single submitter. Criteria: ACMG/ClinGen CNV Guidelines, 2019. Collection method: clinical testing. Allele origin: unknown.
Comment: A limited number of patients with isolated duplications affecting this region of 4p16.3 are reported in the literature, and there is variability in duplication breakpoints across these patients. The overlapping clinical features include developmental delay, intellectual disability, and some dysmorphic features. Additionally, there are no similar copy number gains of this region reported in the general populations of the Database of Genomic Variants. Thus, the clinical significance of this copy number variant is interpreted as likely pathogenic at this time. References: Bi et al. Am J Med Genet A. 2016 Oct;170(10):2540-50, PMID: 27287194. Schonewolf-Greulich et al. Am J Med Genet A. 2013 Sep;161A(9):2358-62. PMID: 23894085. Hannes et al. Eur J Med Genet. 2010 May-Jun;53(3):136-40. PMID: 20197130. Palumbo et al. Mol Cytogenet. 2015 Feb 28;8:15. PMID: 25774220.

GRCh37/hg19 4p16.3(chr4:963688-2913553)x3

Genes: ADD1 (adducin 1; plus strand), CRIPAK (cysteine rich PAK1 inhibitor; plus strand), CTBP1 (C-terminal binding protein 1; minus strand), DGKQ (diacylglycerol kinase theta; minus strand), FAM193A (family with sequence similarity 193 member A; plus strand) and 25 more. Cytogenetic location: 4p16.3.
Variant type: copy number gain.
Change: copy number 3 (three copies instead of two) of chr4:963,688-2,913,553 (1.95 Mb, GRCh37 coordinates, 1-based), cytogenetic band 4p16.3.
Identifiers: ClinVar variation 1808616 (VCV001808616.1).